The following is an entry in ClinVar:

NM_002617.4(PEX10):c.611G>A (p.Arg204His)

Gene: PEX10 (peroxisomal biogenesis factor 10; minus strand). Cytogenetic location: 1p36.32.
Variant type: single nucleotide variant.
Coding change: c.611G>A on transcript NM_002617.4 (MANE Select); coding-DNA position 611, G replaced by A.
Protein change: p.Arg204His; replaces arginine 204 with histidine.
Molecular consequence: missense variant. On other transcripts: non-coding transcript variant (1).
Genome position (GRCh38, 1-based): chr1:2,406,885, C>T on the plus strand (G>A on the coding strand, the complement: PEX10 is on the minus strand). VCF-style: chr1-2406885-C-T. GRCh37 (hg19) VCF-style: chr1-2338324-C-T.
Other names: c.668G>A, p.Arg223His (NM_001374425.1); c.236G>A, p.Arg79His (NM_001374426.1); c.179G>A, p.Arg60His (NM_001374427.1); c.671G>A, p.Arg224His (NM_153818.2); short protein forms R224H, R204H, R223H, R60H, R79H.
Identifiers: ClinVar variation 197386 (VCV000197386.22), dbSNP rs199934621, ClinGen allele CA245493.
Genomic context (GRCh38, chr1:2,406,885, plus strand): 5'-GAGATGACCCCCAGCAGCCTGTAGCTAACACGGGCCCTCAGGTCCTCTCCGGGCAGGCTG[C>T]GGACACGGAGCTGTAAGGCAGATGGCGCCACACTCATCAGGACCCTGAGGGGATCTGGCC-3'
Protein context (NP_002608.1, residues 194-214): RLTGITYLRV[Arg204His]SLPGEDLRAR

ClinVar aggregate classification (germline): Conflicting classifications of pathogenicity. Review status: criteria provided, conflicting classifications (1 of 4 stars). 6 submissions from 6 submitters: Uncertain significance (2); Likely benign (2). 2 of the submissions do not count toward it. Last evaluated 2026-01-25.

Conditions:
Zellweger spectrum disorders (ZS). Also called: Zellweger syndrome; Zellweger Spectrum Disorder (ZSD); Zellweger Spectrum Disorder; Zellweger Spectrum. Identifiers: Orphanet 912, MedGen C0043459, MONDO:0019609.
PEX10-related disorder. Also called: PEX10-related condition.
Peroxisome biogenesis disorder, complementation group 7 (CG7). Also called: Peroxisome biogenesis disorder, complementation group B. Identifiers: MedGen C1864399.
Peroxisome biogenesis disorder 6A (Zellweger). Also called: Peroxisome biogenesis disorder 6A. Identifiers: Orphanet 912, MedGen C3553947, MONDO:0013936, OMIM 614870.

Allele frequency attached by ClinVar (database versions not stated): TOPMed 0.00020; gnomAD 0.00022 and 0.00027; ExAC 0.00034; 1000 Genomes Project 30x 0.00094; 1000 Genomes Project 0.00100.
gnomAD v4.1: 211 of 1,608,452 alleles (0.013%); highest among the groups gnomAD compares: East Asian, 0.24%; no homozygotes.

Submissions (6):

Labcorp Genetics (formerly Invitae), Labcorp
Classification: Likely benign for Peroxisome biogenesis disorder, complementation group 7. Last evaluated: 2026-01-25. Review status: criteria provided, single submitter. Criteria: Invitae Variant Classification Sherloc (09022015). Collection method: clinical testing. Allele origin: germline.

Blueprint Genetics
Classification: Likely benign. Last evaluated: 2024-06-19. Review status: criteria provided, single submitter. Criteria: ACMG Guidelines, 2015. Collection method: clinical testing. Allele origin: germline.

Illumina Laboratory Services, Illumina
Classification: Uncertain significance for Peroxisome biogenesis disorder 6A (Zellweger). Last evaluated: 2018-01-12. Review status: criteria provided, single submitter. Criteria: ICSL Variant Classification Criteria 13 December 2019. Collection method: clinical testing. Allele origin: germline.

Eurofins Ntd Llc (ga)
Classification: Uncertain significance. Last evaluated: 2015-04-21. Review status: criteria provided, single submitter. Criteria: EGL Classification Definitions 2015. Collection method: clinical testing. Allele origin: germline. Observed: 2 variant alleles, 2 heterozygotes.

PreventionGenetics, part of Exact Sciences
Classification: Likely benign for PEX10-related condition. Last evaluated: 2023-10-10. Review status: no assertion criteria provided. Collection method: clinical testing. Allele origin: germline. Not counted in ClinVar's aggregate classification.
Comment: This variant is classified as likely benign based on ACMG/AMP sequence variant interpretation guidelines (Richards et al. 2015 PMID: 25741868, with internal and published modifications).

Natera, Inc.
Classification: Likely benign for Zellweger syndrome. Last evaluated: 2020-05-01. Review status: no assertion criteria provided. Collection method: clinical testing. Allele origin: germline. Not counted in ClinVar's aggregate classification.